The following is an entry in ClinVar:

ClinVar aggregate classification (germline): Pathogenic (1 of 4 stars; one submission).

Conditions:
Cardiovascular phenotype. Identifiers: MedGen CN230736.

Submission:

Ambry Genetics
Classification: Pathogenic for Cardiovascular phenotype. Last evaluated: 2025-01-21. Review status: criteria provided, single submitter. Criteria: Ambry Variant Classification Scheme 2023. Collection method: clinical testing. Allele origin: germline.
Comment: The p.W196* pathogenic mutation (also known as c.588G>A), located in coding exon 5 of the MYBPC3 gene, results from a G to A substitution at nucleotide position 588. This changes the amino acid from a tryptophan to a stop codon within coding exon 5. This variant and another variant resulting in the same amino acid change (c.587G>A) have been identified in individual(s) with features consistent with hypertrophic cardiomyopathy (Kassem HSh et al. J Cardiovasc Transl Res, 2013 Feb;6:65-80; G&oacute;mez J et al. Circ Cardiovasc Genet, 2017 Apr;10; Gao J et al. Int J Mol Sci, 2020 Apr;21; McGurk KA et al. Am J Hum Genet, 2023 Sep;110:1482-1495). This variant is considered to be rare based on population cohorts in the Genome Aggregation Database (gnomAD). This alteration is expected to result in loss of function by premature protein truncation or nonsense-mediated mRNA decay. As such, this alteration is interpreted as a disease-causing mutation.

Literature cited by the submitters: PubMed 23233322; PubMed 28356264; PubMed 32344918; PubMed 37652022.

NM_000256.3(MYBPC3):c.588G>A (p.Trp196Ter)

Gene: MYBPC3 (myosin binding protein C3; minus strand). Cytogenetic location: 11p11.2.
Variant type: single nucleotide variant.
Coding change: c.588G>A on transcript NM_000256.3 (MANE Select); coding-DNA position 588, G replaced by A.
Protein change: p.Trp196Ter; replaces tryptophan 196 with a stop codon.
Molecular consequence: nonsense.
Genome position (GRCh38, 1-based): chr11:47,349,840, C>T on the plus strand (G>A on the coding strand, the complement: MYBPC3 is on the minus strand). VCF-style: chr11-47349840-C-T. GRCh37 (hg19) VCF-style: chr11-47371391-C-T.
Other names: short protein forms W196*.
Identifiers: ClinVar variation 3876125 (VCV003876125.1).